The following is an entry in ClinVar:

NM_031471.6(FERMT3):c.886G>A (p.Ala296Thr)

Gene: FERMT3 (FERM domain containing kindlin 3; plus strand). Cytogenetic location: 11q13.1.
Variant type: single nucleotide variant.
Coding change: c.886G>A on transcript NM_031471.6 (MANE Select); coding-DNA position 886, G replaced by A.
Protein change: p.Ala296Thr; replaces alanine 296 with threonine.
Molecular consequence: missense variant.
Genome position (GRCh38, 1-based): chr11:64,219,350, G>A. VCF-style: chr11-64219350-G-A. GRCh37 (hg19) VCF-style: chr11-63986822-G-A.
Other names: c.886G>A, p.Ala296Thr (NM_001382361.1, NM_001382362.1, NM_001382448.1 and 1 more transcripts); c.346G>A, p.Ala116Thr (NM_001382363.1, NM_001382364.1); short protein forms A116T, A296T.
Identifiers: ClinVar variation 1473367 (VCV001473367.8), dbSNP rs1030764940, ClinGen allele CA223844232.

ClinVar aggregate classification (germline): Uncertain significance (1 of 4 stars; one submission).

Conditions:
Leukocyte adhesion deficiency 3. Also called: Leukocyte adhesion deficiency, type III; INTEGRIN ACTIVATION DEFICIENCY DISEASE; LEUKOCYTE ADHESION DEFICIENCY 1 VARIANT. Identifiers: Orphanet 2968, Orphanet 99844, MedGen C2748536, MONDO:0013016, OMIM 612840.

Allele frequency attached by ClinVar (database versions not stated): gnomAD exomes below 0.00001; TOPMed below 0.00001; gnomAD 0.00001.
gnomAD v4.1: 7 of 1,599,074 alleles (0.00044%); highest among the groups gnomAD compares: East Asian, 0.0023%; no homozygotes.

Submission:

Labcorp Genetics (formerly Invitae), Labcorp
Classification: Uncertain significance for Leukocyte adhesion deficiency 3. Last evaluated: 2024-03-11. Review status: criteria provided, single submitter. Criteria: Invitae Variant Classification Sherloc (09022015). Collection method: clinical testing. Allele origin: germline.
Comment: This sequence change replaces alanine, which is neutral and non-polar, with threonine, which is neutral and polar, at codon 296 of the FERMT3 protein (p.Ala296Thr). This variant is not present in population databases (gnomAD no frequency). This variant has not been reported in the literature in individuals affected with FERMT3-related conditions. ClinVar contains an entry for this variant (Variation ID: 1473367). Advanced modeling of protein sequence and biophysical properties (such as structural, functional, and spatial information, amino acid conservation, physicochemical variation, residue mobility, and thermodynamic stability) has been performed at Invitae for this missense variant, however the output from this modeling did not meet the statistical confidence thresholds required to predict the impact of this variant on FERMT3 protein function. In summary, the available evidence is currently insufficient to determine the role of this variant in disease. Therefore, it has been classified as a Variant of Uncertain Significance.